The following is an entry in ClinVar:

NM_198576.4(AGRN):c.4931C>G (p.Ser1644Cys)

Gene: AGRN (agrin; plus strand). Cytogenetic location: 1p36.33.
Variant type: single nucleotide variant.
Coding change: c.4931C>G on transcript NM_198576.4 (MANE Select); coding-DNA position 4931, C replaced by G.
Protein change: p.Ser1644Cys; replaces serine 1644 with cysteine.
Molecular consequence: missense variant.
Genome position (GRCh38, 1-based): chr1:1,050,284, C>G. VCF-style: chr1-1050284-C-G. GRCh37 (hg19) VCF-style: chr1-985664-C-G.
Other names: c.4931C>G, p.Ser1644Cys (NM_001305275.2); c.4616C>G, p.Ser1539Cys (NM_001364727.2); short protein forms S1539C, S1644C.
Identifiers: ClinVar variation 1350256 (VCV001350256.6), dbSNP rs753103771, ClinGen allele CA337779715.

ClinVar aggregate classification (germline): Uncertain significance (1 of 4 stars; one submission).

Conditions:
Congenital myasthenic syndrome 8. Also called: MYASTHENIC SYNDROME, CONGENITAL, DUE TO AGRIN DEFICIENCY; Myasthenic syndrome, congenital, 8, with pre- and postsynaptic defects. Identifiers: Orphanet 590, MedGen C3808739, MONDO:0014052, OMIM 615120.

Allele frequency attached by ClinVar (database versions not stated): gnomAD exomes below 0.00001.
gnomAD v4.1: 1 of 1,613,034 alleles (0.000062%); highest among the groups gnomAD compares: Non-Finnish European, 0.000085%; no homozygotes.

Submission:

Labcorp Genetics (formerly Invitae), Labcorp
Classification: Uncertain significance for Congenital myasthenic syndrome 8. Last evaluated: 2021-10-05. Review status: criteria provided, single submitter. Criteria: Invitae Variant Classification Sherloc (09022015). Collection method: clinical testing. Allele origin: germline.
Comment: Algorithms developed to predict the effect of missense changes on protein structure and function are either unavailable or do not agree on the potential impact of this missense change (SIFT: "Deleterious"; PolyPhen-2: "Probably Damaging"; Align-GVGD: "Class C0"). In summary, the available evidence is currently insufficient to determine the role of this variant in disease. Therefore, it has been classified as a Variant of Uncertain Significance. This variant has not been reported in the literature in individuals affected with AGRN-related conditions. This variant is not present in population databases (ExAC no frequency). This sequence change replaces serine with cysteine at codon 1644 of the AGRN protein (p.Ser1644Cys). The serine residue is highly conserved and there is a moderate physicochemical difference between serine and cysteine.